The following is an entry in ClinVar:

ClinVar aggregate classification (germline): Uncertain significance (1 of 4 stars; one submission).

Conditions:
Hereditary cancer-predisposing syndrome. Also called: Tumor predisposition; Neoplastic Syndromes, Hereditary; Hereditary neoplastic syndrome; Hereditary Cancer Syndrome. Identifiers: Orphanet 140162, MedGen C0027672, MeSH D009386, MONDO:0015356.

Allele frequency attached by ClinVar (database versions not stated): gnomAD exomes below 0.00001.
gnomAD v4.1: 1 of 1,613,440 alleles (0.000062%); highest among the groups gnomAD compares: East Asian, 0.0022%; no homozygotes.

Submission:

Color Diagnostics, LLC DBA Color Health
Classification: Uncertain significance for Hereditary cancer-predisposing syndrome. Last evaluated: 2024-03-06. Review status: criteria provided, single submitter. Criteria: ACMG Guidelines, 2015. Collection method: clinical testing. Allele origin: germline.
Comment: This missense variant replaces glycine with alanine at codon 2922 of the ATM protein. Computational prediction suggests that this variant may have deleterious impact on protein structure and function (internally defined REVEL score threshold >= 0.7, PMID: 27666373). Splice site prediction tools suggest that this variant may not impact RNA splicing. To our knowledge, functional studies have not been reported for this variant. This variant has not been reported in individuals affected with hereditary cancer in the literature. This variant has not been identified in the general population by the Genome Aggregation Database (gnomAD). The available evidence is insufficient to determine the role of this variant in disease conclusively. Therefore, this variant is classified as a Variant of Uncertain Significance.

NM_000051.4(ATM):c.8765G>C (p.Gly2922Ala)

Genes: C11orf65 (chromosome 11 open reading frame 65; minus strand), ATM (ATM serine/threonine kinase; plus strand). Cytogenetic location: 11q22.3.
Variant type: single nucleotide variant.
Coding change: c.8765G>C on transcript NM_000051.4 (MANE Select); coding-DNA position 8765, G replaced by C.
Protein change: p.Gly2922Ala; replaces glycine 2922 with alanine.
Molecular consequence: missense variant. On other transcripts: intron variant (2).
Genome position (GRCh38, 1-based): chr11:108,353,859, G>C. VCF-style: chr11-108353859-G-C. GRCh37 (hg19) VCF-style: chr11-108224586-G-C.
Other names: c.8765G>C, p.Gly2922Ala (NM_001351834.2); c.640+32061C>G (NM_001330368.2); c.695-18567C>G (NM_001351110.2); short protein forms G2922A.
Identifiers: ClinVar variation 919093 (VCV000919093.5), dbSNP rs2089517173, ClinGen allele CA382524187.
Genomic context (GRCh38, chr11:108,353,859, plus strand): 5'-CTCCTGAGACAGTTCCTTTTAGACTCACCAGAGATATTGTGGATGGCATGGGCATTACGG[G>C]TGTTGAAGGTGTCTTCAGAAGGTAAGTGATATGAAGTAAAGGAGGGAAATAATTTTTGAT-3'
Protein context (NP_000042.3, residues 2912-2932): RDIVDGMGIT[Gly2922Ala]VEGVFRRCCE